The following is an entry in ClinVar:

ClinVar aggregate classification (germline): Uncertain significance. Review status: criteria provided, multiple submitters, no conflicts (2 of 4 stars). 2 submissions from 2 submitters: Uncertain significance (2). Last evaluated 2025-01-23.

Conditions:
Inborn genetic diseases. Identifiers: MedGen C0950123, MeSH D030342.

gnomAD v4.1: 5 of 1,613,026 alleles (0.00031%); highest among the groups gnomAD compares: South Asian, 0.0011%; no homozygotes.

Submissions (2):

Ambry Genetics
Classification: Uncertain significance for Inborn genetic diseases. Last evaluated: 2025-01-23. Review status: criteria provided, single submitter. Criteria: Ambry Variant Classification Scheme 2023. Collection method: clinical testing. Allele origin: germline.

GeneDx
Classification: Uncertain significance. Last evaluated: 2024-10-31. Review status: criteria provided, single submitter. Criteria: GeneDx Variant Classification Process June 2021. Collection method: clinical testing. Allele origin: germline. Affected: yes.
Comment: Not observed at significant frequency in large population cohorts (gnomAD); In silico analysis supports that this missense variant has a deleterious effect on protein structure/function; Has not been previously published as pathogenic or benign to our knowledge

NM_001271938.2(MEGF8):c.6143C>T (p.Pro2048Leu)

Gene: MEGF8 (multiple EGF like domains 8; plus strand). Cytogenetic location: 19q13.2.
Variant type: single nucleotide variant.
Coding change: c.6143C>T on transcript NM_001271938.2 (MANE Select); coding-DNA position 6143, C replaced by T.
Protein change: p.Pro2048Leu; replaces proline 2048 with leucine.
Molecular consequence: missense variant.
Genome position (GRCh38, 1-based): chr19:42,363,132, C>T. VCF-style: chr19-42363132-C-T. GRCh37 (hg19) VCF-style: chr19-42867284-C-T.
Other names: c.5942C>T, p.Pro1981Leu (NM_001410.3); short protein forms P1981L, P2048L.
Identifiers: ClinVar variation 3872154 (VCV003872154.2).
Genomic context (GRCh38, chr19:42,363,132, plus strand): 5'-TGCAGCCCACCTATGACTGGACGTGCTTCAGCCACTCTCTGCTGAATGTGTCCCCCATGC[C>T]GGTGGAATCATCACCCCCACTGCCCTGCCCCACCCCTTGTCACCTCCTACCCAACTGTAC-3'
Protein context (NP_001258867.1, residues 2038-2058): SHSLLNVSPM[Pro2048Leu]VESSPPLPCP